The following is an entry in ClinVar:

ClinVar aggregate classification (germline): Conflicting classifications of pathogenicity. Review status: criteria provided, conflicting classifications (1 of 4 stars). 5 submissions from 5 submitters: Uncertain significance (4); Likely benign (1). Last evaluated 2025-06-20.

Conditions:
Hereditary spastic paraplegia 7 (SPG7). Also called: Autosomal recessive spastic paraplegia type 7; SPASTIC PARAPLEGIA 7, AUTOSOMAL RECESSIVE, WITH OR WITHOUT CEREBELLAR ATAXIA; Spastic paraplegia 7; Hereditary spastic paraplegia Paraplegin type; SPG7-related neurologic disorder. Identifiers: Orphanet 99013, MedGen C1846564, MONDO:0011803, OMIM 607259.

Allele frequency attached by ClinVar (database versions not stated): TOPMed 0.00002; gnomAD exomes 0.00006 and 0.00007; ExAC 0.00008; ESP Exome Variant Server 0.00008; gnomAD 0.00009.

Submissions (5):

Athena Diagnostics
Classification: Uncertain significance. Last evaluated: 2025-06-20. Review status: criteria provided, single submitter. Criteria: Athena Diagnostics Criteria. Collection method: clinical testing. Allele origin: unknown.
Comment: Available data are insufficient to determine the clinical significance of the variant at this time. The frequency of this variant in the general population is uninformative in assessment of its pathogenicity. Polyphen and MutationTaster predict this amino acid change may be benign.

Labcorp Genetics (formerly Invitae), Labcorp
Classification: Likely benign for Hereditary spastic paraplegia 7. Last evaluated: 2025-04-13. Review status: criteria provided, single submitter. Criteria: Invitae Variant Classification Sherloc (09022015). Collection method: clinical testing. Allele origin: germline.

GeneDx
Classification: Uncertain significance. Last evaluated: 2024-09-30. Review status: criteria provided, single submitter. Criteria: GeneDx Variant Classification Process June 2021. Collection method: clinical testing. Allele origin: germline. Affected: yes.
Comment: In silico analysis supports that this missense variant has a deleterious effect on protein structure/function; Homozygous in an individual with Charcot-Marie-Tooth disease (PMID: 34476298); This variant is associated with the following publications: (PMID: 34476298)

CeGaT Center for Human Genetics Tuebingen
Classification: Uncertain significance. Last evaluated: 2022-03-01. Review status: criteria provided, single submitter. Criteria: CeGaT Center For Human Genetics Tuebingen Variant Classification Criteria Version 2. Collection method: clinical testing. Allele origin: germline. Affected: yes. Observed: 1 variant allele.

CMT Laboratory, Bogazici University
Classification: Uncertain significance for Hereditary spastic paraplegia 7. Last evaluated: 2020-12-01. Review status: criteria provided, single submitter. Criteria: ACMG Guidelines, 2015. Collection method: clinical testing. Allele origin: germline. Affected: yes. Observed: 1 variant allele.

Literature cited by the submitters: PubMed 34476298 (cited by Athena Diagnostics); PubMed 31673878 (cited by CMT Laboratory, Bogazici University).

NM_003119.4(SPG7):c.454A>G (p.Met152Val)

Gene: SPG7 (SPG7 matrix AAA peptidase subunit, paraplegin; plus strand). Cytogenetic location: 16q24.3.
Variant type: single nucleotide variant.
Coding change: c.454A>G on transcript NM_003119.4 (MANE Select); coding-DNA position 454, A replaced by G.
Protein change: p.Met152Val; replaces methionine 152 with valine.
Molecular consequence: missense variant.
Genome position (GRCh38, 1-based): chr16:89,524,083, A>G. VCF-style: chr16-89524083-A-G. GRCh37 (hg19) VCF-style: chr16-89590491-A-G.
Other names: c.454A>G, p.Met152Val (NM_001363850.1, NM_199367.3); short protein forms M152V.
Identifiers: ClinVar variation 1048597 (VCV001048597.40), dbSNP rs146186857, ClinGen allele CA8243648.